The following is an entry in ClinVar:

NM_003070.5(SMARCA2):c.2639C>T (p.Thr880Ile)

Gene: SMARCA2 (SWI/SNF related BAF chromatin remodeling complex subunit ATPase 2; plus strand). Cytogenetic location: 9p24.3.
Variant type: single nucleotide variant.
Coding change: c.2639C>T on transcript NM_003070.5 (MANE Select); coding-DNA position 2639, C replaced by T.
Protein change: p.Thr880Ile; replaces threonine 880 with isoleucine.
Molecular consequence: missense variant. On other transcripts: intron variant (1).
Genome position (GRCh38, 1-based): chr9:2,086,941, C>T. VCF-style: chr9-2086941-C-T. GRCh37 (hg19) VCF-style: chr9-2086941-C-T.
Other names: c.2639C>T, p.Thr880Ile (NM_001289396.2, NM_139045.4); c.2595+44C>T (NM_001289397.2); short protein forms T880I.
Identifiers: ClinVar variation 3252168 (VCV003252168.1), dbSNP rs2130486498.

ClinVar aggregate classification (germline): Pathogenic (1 of 4 stars; one submission).

Submission:

GeneDx
Classification: Pathogenic. Last evaluated: 2023-10-02. Review status: criteria provided, single submitter. Criteria: GeneDx Variant Classification Process June 2021. Collection method: clinical testing. Allele origin: germline. Affected: yes.
Comment: In silico analysis supports that this missense variant has a deleterious effect on protein structure/function; Not observed at significant frequency in large population cohorts (gnomAD); This variant is associated with the following publications: (PMID: 35811451, 31288860, 23906836)